The following is an entry in ClinVar:

ClinVar aggregate classification (germline): Likely pathogenic (1 of 4 stars; one submission).

Conditions:
Tuberous sclerosis 2 (TSC2). Identifiers: Orphanet 805, MedGen C1860707, MONDO:0013199, OMIM 613254.

Submission:

Labcorp Genetics (formerly Invitae), Labcorp
Classification: Likely pathogenic for Tuberous sclerosis 2. Last evaluated: 2022-03-18. Review status: criteria provided, single submitter. Criteria: Invitae Variant Classification Sherloc (09022015). Collection method: clinical testing. Allele origin: germline.
Comment: This sequence change affects an acceptor splice site in intron 29 of the TSC2 gene. It is expected to disrupt RNA splicing. Variants that disrupt the donor or acceptor splice site typically lead to a loss of protein function (PMID: 16199547), and loss-of-function variants in TSC2 are known to be pathogenic (PMID: 10205261, 17304050). This variant is not present in population databases (gnomAD no frequency). Disruption of this splice site has been observed in individual(s) with clinical features of tuberous sclerosis complex (Invitae). Algorithms developed to predict the effect of sequence changes on RNA splicing suggest that this variant may disrupt the consensus splice site. In summary, the currently available evidence indicates that the variant is pathogenic, but additional data are needed to prove that conclusively. Therefore, this variant has been classified as Likely Pathogenic.

Literature cited by the submitters: PubMed 16199547; PubMed 10205261; PubMed 17304050.

NM_000548.5(TSC2):c.3398-1G>C

Gene: TSC2 (TSC complex subunit 2; plus strand). Cytogenetic location: 16p13.3.
Variant type: single nucleotide variant.
Coding change: c.3398-1G>C on transcript NM_000548.5 (MANE Select); the canonical splice acceptor site of the intron before coding-DNA position 3398, G replaced by C.
Molecular consequence: splice acceptor variant.
Genome position (GRCh38, 1-based): chr16:2,080,164, G>C. VCF-style: chr16-2080164-G-C. GRCh37 (hg19) VCF-style: chr16-2130165-G-C.
Other names: c.3266-1G>C (NM_001406665.1, NM_001370404.1, NM_001077183.3); c.1925-1G>C (NM_001406694.1, NM_001406693.1, NM_001406690.1 and 1 more transcripts); c.1922-1G>C (NM_001406695.1, NM_001406696.1, NM_001406691.1 and 1 more transcripts); c.3257-1G>C (NM_001406671.1); c.3254-1G>C (NM_001406673.1); c.2807-1G>C (NM_001406681.1); c.3287-1G>C (NM_001406670.1); c.3158-1G>C (NM_001318827.2); and 18 more.
Identifiers: ClinVar variation 2114065 (VCV002114065.4), dbSNP rs45517293, ClinGen allele CA394288323.
Genomic context (GRCh38, chr16:2,080,164, plus strand): 5'-TGAGGCTGGTGGTTTTGCATCAGGTAAGTGGTGGTCACCAGTCCTCTGCCCTCTTCTTCA[G>C]GGGGCCATGGTCTTCGAGTTGGCGCCCTGGACGTGCCGGCCTCCCAGTTCCTGGGCAGTG-3'